The following is an entry in ClinVar:

ClinVar aggregate classification (germline): Likely pathogenic (1 of 4 stars; one submission).

Conditions:
ZTTK syndrome (ZTTKS). Also called: ZTTK MULTIPLE CONGENITAL ANOMALIES-MENTAL RETARDATION SYNDROME; Zhu-Tokita-Takenouchi-Kim Syndrome. Identifiers: Orphanet 500150, MedGen C4310696, MONDO:0014936, OMIM 617140.

Submission:

3billion
Classification: Likely pathogenic for ZTTK syndrome. Last evaluated: 2025-12-04. Review status: criteria provided, single submitter. Criteria: ACMG Guidelines, 2015. Collection method: clinical testing. Allele origin: germline. Affected: yes.
Comment: The variant is not observed in the gnomAD v4.1.0 dataset. Predicted Consequence/Location: Frameshift: predicted to result in a loss or disruption of normal protein function through nonsense-mediated decay (NMD) or protein truncation. Multiple pathogenic variants are reported downstream of the variant. Therefore, this variant is classified as Likely pathogenic according to the recommendation of ACMG/AMP guideline.

NM_138927.4(SON):c.5248del (p.Ala1750fs)

Gene: SON (SON DNA and RNA binding protein; plus strand). Cytogenetic location: 21q22.11.
Variant type: Deletion.
Coding change: c.5248del on transcript NM_138927.4 (MANE Select); coding-DNA position 5248, one base deleted (G; older notation c.5248delG).
Protein change: p.Ala1750fs; shifts the reading frame from alanine 1750.
Molecular consequence: frameshift variant. On other transcripts: non-coding transcript variant (1), intron variant (1).
Genome position (GRCh38, 1-based): chr21:33,554,479, G deleted. VCF-style (leftmost placement, unchanged base first): chr21-33554478-AG-A. GRCh37 (hg19) VCF-style: chr21-34926784-AG-A.
Other names: c.5248del, p.Ala1750fs (NM_001291411.2, NM_032195.3); c.245-2677del (NM_001291412.3); short protein forms A1750fs.
Identifiers: ClinVar variation 4854457 (VCV004854457.1).